The following is an entry in ClinVar:

ClinVar aggregate classification (germline): Uncertain significance (1 of 4 stars; one submission).

gnomAD v4.1: 1 of 1,605,510 alleles (0.000062%); highest among the groups gnomAD compares: African/African-American, 0.0013%; no homozygotes.

Submission:

GeneDx
Classification: Uncertain significance. Last evaluated: 2025-07-01. Review status: criteria provided, single submitter. Criteria: GeneDx Variant Classification Process June 2021. Collection method: clinical testing. Allele origin: germline. Affected: yes.
Comment: Not observed at significant frequency in large population cohorts (gnomAD); In silico analysis suggests that this missense variant does not alter protein structure/function; Has not been previously published as pathogenic or benign to our knowledge

NM_000890.5(KCNJ5):c.637G>C (p.Glu213Gln)

Gene: KCNJ5 (potassium inwardly rectifying channel subfamily J member 5; plus strand). Cytogenetic location: 11q24.3.
Variant type: single nucleotide variant.
Coding change: c.637G>C on transcript NM_000890.5 (MANE Select); coding-DNA position 637, G replaced by C.
Protein change: p.Glu213Gln; replaces glutamic acid 213 with glutamine.
Molecular consequence: missense variant.
Genome position (GRCh38, 1-based): chr11:128,911,910, G>C. VCF-style: chr11-128911910-G-C. GRCh37 (hg19) VCF-style: chr11-128781805-G-C.
Other names: c.637G>C, p.Glu213Gln (NM_001354169.2); short protein forms E213Q.
Identifiers: ClinVar variation 4680963 (VCV004680963.1).
Genomic context (GRCh38, chr11:128,911,910, plus strand): 5'-CCCAAGAAGAGAGCGGAGACCCTCATGTTTTCCAACAACGCAGTCATCTCCATGCGGGAC[G>C]AGAAGCTGTGCCTCATGTTCCGGGTGGGCGACCTCCGCAACTCCCACATCGTGGAGGCCT-3'
Protein context (NP_000881.3, residues 203-223): SNNAVISMRD[Glu213Gln]KLCLMFRVGD